The following is an entry in ClinVar:

ClinVar aggregate classification (germline): Uncertain significance. Review status: criteria provided, multiple submitters, no conflicts (2 of 4 stars). 3 submissions from 3 submitters: Uncertain significance (3). Last evaluated 2024-02-13.

Conditions:
Maple syrup urine disease (MSUD). Identifiers: Orphanet 511, MedGen C0024776, MeSH D008375, MONDO:0009563. Disease mechanism: loss of function.
Inborn genetic diseases. Identifiers: MedGen C0950123, MeSH D030342.

Allele frequency attached by ClinVar (database versions not stated): ExAC 0.00001; gnomAD 0.00001; gnomAD exomes 0.00001 and 0.00005; TOPMed 0.00001.
gnomAD v4.1: 71 of 1,613,124 alleles (0.0044%); highest among the groups gnomAD compares: Non-Finnish European, 0.0056%; no homozygotes.

Submissions (3):

Ambry Genetics
Classification: Uncertain significance for Inborn genetic diseases. Last evaluated: 2024-02-13. Review status: criteria provided, single submitter. Criteria: Ambry Variant Classification Scheme 2023. Collection method: clinical testing. Allele origin: germline.

Labcorp Genetics (formerly Invitae), Labcorp
Classification: Uncertain significance for Maple syrup urine disease. Last evaluated: 2022-03-29. Review status: criteria provided, single submitter. Criteria: Invitae Variant Classification Sherloc (09022015). Collection method: clinical testing. Allele origin: germline.
Comment: This sequence change replaces threonine, which is neutral and polar, with isoleucine, which is neutral and non-polar, at codon 344 of the BCKDHB protein (p.Thr344Ile). This variant is present in population databases (rs761138547, gnomAD 0.004%). This variant has not been reported in the literature in individuals affected with BCKDHB-related conditions. ClinVar contains an entry for this variant (Variation ID: 358172). Algorithms developed to predict the effect of missense changes on protein structure and function (SIFT, PolyPhen-2, Align-GVGD) all suggest that this variant is likely to be tolerated. In summary, the available evidence is currently insufficient to determine the role of this variant in disease. Therefore, it has been classified as a Variant of Uncertain Significance.

Illumina Laboratory Services, Illumina
Classification: Uncertain significance for Maple syrup urine disease type 1A. Last evaluated: 2018-01-12. Review status: criteria provided, single submitter. Criteria: ICSL Variant Classification Criteria 13 December 2019. Collection method: clinical testing. Allele origin: germline.

NM_183050.4(BCKDHB):c.1031C>T (p.Thr344Ile)

Gene: BCKDHB (branched chain keto acid dehydrogenase E1 subunit beta; plus strand). Cytogenetic location: 6q14.1.
Variant type: single nucleotide variant.
Coding change: c.1031C>T on transcript NM_183050.4 (MANE Select); coding-DNA position 1031, C replaced by T.
Protein change: p.Thr344Ile; replaces threonine 344 with isoleucine.
Molecular consequence: missense variant. On other transcripts: non-coding transcript variant (1).
Genome position (GRCh38, 1-based): chr6:80,273,214, C>T. VCF-style: chr6-80273214-C-T. GRCh37 (hg19) VCF-style: chr6-80982931-C-T.
Other names: c.1031C>T, p.Thr344Ile (NM_000056.5); c.821C>T, p.Thr274Ile (NM_001318975.1); short protein forms T344I, T274I.
Identifiers: ClinVar variation 358172 (VCV000358172.7), dbSNP rs761138547, ClinGen allele CA3902830.
Genomic context (GRCh38, chr6:80,273,214, plus strand): 5'-GACTGCTAATCAGTCACGAGGCTCCCTTGACAGGCGGCTTTGCATCGGAAATCAGCTCTA[C>T]AGTTCAGGTAGAGTAATTTTTGGAACTGATTTCAATGCTTGTGCAATTCCACATGCCAAT-3'
Protein context (NP_898871.1, residues 334-354): TGGFASEISS[Thr344Ile]VQEECFLNLE